The following is an entry in ClinVar:

ClinVar aggregate classification (germline): Likely pathogenic (1 of 4 stars; one submission).

Conditions:
Autosomal recessive Alport syndrome (ATS2). Also called: ALPORT SYNDROME 2, AUTOSOMAL RECESSIVE; COL4A4 Alport Syndrome and Thin Basement Membrane Nephropathy; COL4A3-Related Nephropathy; Alport syndrome type 2. Identifiers: Orphanet 63, Orphanet 88919, MedGen C4746745, MONDO:0008762, OMIM 203780.

gnomAD v4.1: 2 of 1,613,834 alleles (0.00012%); highest among the groups gnomAD compares: Non-Finnish European, 0.00017%; no homozygotes.

Submission:

MVZ Medizinische Genetik Mainz
Classification: Likely pathogenic for Autosomal recessive Alport syndrome. Last evaluated: 2024-12-04. Review status: criteria provided, single submitter. Criteria: UK Practice Guidelines For Variant Classification V4 01 2020. Collection method: clinical testing. Allele origin: germline. Inheritance: Autosomal dominant inheritance. Affected: yes. Observed: 1 variant allele.
Comment: ACMG Criteria: PM1_STR,PM2_SUP,PP3,PP4

NM_000092.5(COL4A4):c.604G>T (p.Gly202Cys)

Gene: COL4A4 (collagen type IV alpha 4 chain; minus strand). Cytogenetic location: 2q36.3.
Variant type: single nucleotide variant.
Coding change: c.604G>T on transcript NM_000092.5 (MANE Select); coding-DNA position 604, G replaced by T.
Protein change: p.Gly202Cys; replaces glycine 202 with cysteine.
Molecular consequence: missense variant.
Genome position (GRCh38, 1-based): chr2:227,109,277, C>A on the plus strand (G>T on the coding strand, the complement: COL4A4 is on the minus strand). VCF-style: chr2-227109277-C-A. GRCh37 (hg19) VCF-style: chr2-227973993-C-A.
Other names: short protein forms G202C.
Identifiers: ClinVar variation 3392560 (VCV003392560.1).